The following is an entry in ClinVar:

NM_006441.4(MTHFS):c.293C>T (p.Pro98Leu)

Genes: MTHFS (methenyltetrahydrofolate synthetase; minus strand), ST20-MTHFS (ST20-MTHFS readthrough; minus strand). Cytogenetic location: 15q25.1.
Variant type: single nucleotide variant.
Coding change: c.293C>T on transcript NM_006441.4 (MANE Select); coding-DNA position 293, C replaced by T.
Protein change: p.Pro98Leu; replaces proline 98 with leucine.
Molecular consequence: missense variant. On other transcripts: non-coding transcript variant (1).
Genome position (GRCh38, 1-based): chr15:79,889,179, G>A on the plus strand (C>T on the coding strand, the complement: MTHFS is on the minus strand). VCF-style: chr15-79889179-G-A. GRCh37 (hg19) VCF-style: chr15-80181521-G-A.
Other names: c.221C>T, p.Pro74Leu (NM_001199760.2); c.122C>T, p.Pro41Leu (NM_001199758.1); short protein forms P98L, P41L, P74L.
Identifiers: ClinVar variation 2156507 (VCV002156507.4), dbSNP rs149273610, ClinGen allele CA7690323.

ClinVar aggregate classification (germline): Uncertain significance (1 of 4 stars; one submission).

Allele frequency attached by ClinVar (database versions not stated): TOPMed 0.00019; gnomAD 0.00020; ExAC 0.00026; ESP Exome Variant Server 0.00031; gnomAD exomes 0.00034.
gnomAD v4.1: 514 of 1,614,042 alleles (0.032%); highest among the groups gnomAD compares: Non-Finnish European, 0.042%; no homozygotes.

Submission:

Labcorp Genetics (formerly Invitae), Labcorp
Classification: Uncertain significance. Last evaluated: 2025-01-27. Review status: criteria provided, single submitter. Criteria: Invitae Variant Classification Sherloc (09022015). Collection method: clinical testing. Allele origin: germline.
Comment: This sequence change replaces proline, which is neutral and non-polar, with leucine, which is neutral and non-polar, at codon 98 of the MTHFS protein (p.Pro98Leu). This variant is present in population databases (rs149273610, gnomAD 0.05%). This variant has not been reported in the literature in individuals affected with MTHFS-related conditions. ClinVar contains an entry for this variant (Variation ID: 2156507). An algorithm developed to predict the effect of missense changes on protein structure and function (PolyPhen-2) suggests that this variant is likely to be tolerated. Algorithms developed to predict the effect of sequence changes on RNA splicing suggest that this variant may create or strengthen a splice site. In summary, the available evidence is currently insufficient to determine the role of this variant in disease. Therefore, it has been classified as a Variant of Uncertain Significance.